The following is an entry in ClinVar:

NM_001347721.2(DYRK1A):c.886A>G (p.Ile296Val)

Gene: DYRK1A (dual specificity tyrosine phosphorylation regulated kinase 1A; plus strand). Cytogenetic location: 21q22.13.
Variant type: single nucleotide variant.
Coding change: c.886A>G on transcript NM_001347721.2 (MANE Select); coding-DNA position 886, A replaced by G.
Protein change: p.Ile296Val; replaces isoleucine 296 with valine.
Molecular consequence: missense variant.
Genome position (GRCh38, 1-based): chr21:37,490,423, A>G. VCF-style: chr21-37490423-A-G. GRCh37 (hg19) VCF-style: chr21-38862725-A-G.
Other names: c.886A>G, p.Ile296Val (NM_001347722.2, NM_130436.2); c.799A>G, p.Ile267Val (NM_001347723.2); c.913A>G, p.Ile305Val (NM_001396.5, NM_101395.2, NM_130438.2); short protein forms I296V, I305V, I267V.
Identifiers: ClinVar variation 1765927 (VCV001765927.5), dbSNP rs2053046693, ClinGen allele CA409947841.
Genomic context (GRCh38, chr21:37,490,423, plus strand): 5'-CACTGTGATCTAAAACCTGAAAATATCCTTCTTTGTAACCCCAAACGCAGTGCAATCAAG[A>G]TAGTTGACTTTGGCAGTTCTTGTCAGTTGGGGCAGAGGGTAAGTATTATTTCAGAACTTG-3'
Protein context (NP_001334650.1, residues 286-306): LCNPKRSAIK[Ile296Val]VDFGSSCQLG

ClinVar aggregate classification (germline): Uncertain significance. Review status: criteria provided, multiple submitters, no conflicts (2 of 4 stars). 2 submissions from 2 submitters: Uncertain significance (2). Last evaluated 2023-10-06.

Conditions:
Inborn genetic diseases. Identifiers: MedGen C0950123, MeSH D030342.
DYRK1A-related intellectual disability syndrome (MRD7). Also called: DYRK1A Syndrome; Intellectual developmental disorder, autosomal dominant 7. Identifiers: Orphanet 464306, MedGen C5568143, MONDO:0013578, OMIM 614104.

Allele frequency attached by ClinVar (database versions not stated): gnomAD exomes below 0.00001; TOPMed below 0.00001.

Submissions (2):

Labcorp Genetics (formerly Invitae), Labcorp
Classification: Uncertain significance for DYRK1A-related intellectual disability syndrome. Last evaluated: 2023-10-06. Review status: criteria provided, single submitter. Criteria: Invitae Variant Classification Sherloc (09022015). Collection method: clinical testing. Allele origin: germline.
Comment: This sequence change replaces isoleucine, which is neutral and non-polar, with valine, which is neutral and non-polar, at codon 305 of the DYRK1A protein (p.Ile305Val). This variant is not present in population databases (gnomAD no frequency). This variant has not been reported in the literature in individuals affected with DYRK1A-related conditions. ClinVar contains an entry for this variant (Variation ID: 1765927). Advanced modeling of protein sequence and biophysical properties (such as structural, functional, and spatial information, amino acid conservation, physicochemical variation, residue mobility, and thermodynamic stability) performed at Invitae indicates that this missense variant is not expected to disrupt DYRK1A protein function. Algorithms developed to predict the effect of sequence changes on RNA splicing suggest that this variant may create or strengthen a splice site. In summary, the available evidence is currently insufficient to determine the role of this variant in disease. Therefore, it has been classified as a Variant of Uncertain Significance.

Ambry Genetics
Classification: Uncertain significance for Inborn genetic diseases. Last evaluated: 2019-06-17. Review status: criteria provided, single submitter. Criteria: Ambry Variant Classification Scheme 2023. Collection method: clinical testing. Allele origin: germline.
Comment: The p.I305V variant (also known as c.913A>G), located in coding exon 6 of the DYRK1A gene, results from an A to G substitution at nucleotide position 913. The isoleucine at codon 305 is replaced by valine, an amino acid with highly similar properties. This amino acid position is highly conserved in available vertebrate species. In addition, this alteration is predicted to be tolerated by in silico analysis. Since supporting evidence is limited at this time, the clinical significance of this alteration remains unclear.